The following is an entry in ClinVar:

ClinVar aggregate classification (germline): Pathogenic (1 of 4 stars; one submission).

Submission:

GeneDx
Classification: Pathogenic. Last evaluated: 2025-02-24. Review status: criteria provided, single submitter. Criteria: GeneDx Variant Classification Process June 2021. Collection method: clinical testing. Allele origin: germline. Affected: yes.
Comment: Canonical splice site variant predicted to result in a null allele in a gene for which loss of function is a known mechanism of disease; Not observed at significant frequency in large population cohorts (gnomAD); Has not been previously published as pathogenic or benign to our knowledge

NM_015015.3(KDM4B):c.432+1del

Gene: KDM4B (lysine demethylase 4B; plus strand). Cytogenetic location: 19p13.3.
Variant type: Deletion.
Coding change: c.432+1del on transcript NM_015015.3 (MANE Select); the canonical splice donor site of the intron after coding-DNA position 432, one base deleted (G; older notation c.432+1delG).
Molecular consequence: splice donor variant.
Genome position (GRCh38, 1-based): chr19:5,041,252, G deleted. VCF-style (leftmost placement, unchanged base first): chr19-5041251-CG-C. GRCh37 (hg19) VCF-style: chr19-5041262-CG-C.
Other names: c.432+1del (NM_001370093.1, NM_001370094.1, NM_001411148.1).
Identifiers: ClinVar variation 4077218 (VCV004077218.1).